The following is an entry in ClinVar:

NM_000536.4(RAG2):c.1365T>C (p.His455=)

Gene: RAG2 (recombination activating 2; minus strand). Cytogenetic location: 11p12.
Variant type: single nucleotide variant.
Coding change: c.1365T>C on transcript NM_000536.4 (MANE Select); coding-DNA position 1365, T replaced by C.
Protein change: p.His455=; no amino-acid change (histidine 455 retained).
Molecular consequence: synonymous variant.
Genome position (GRCh38, 1-based): chr11:36,592,804, A>G on the plus strand (T>C on the coding strand, the complement: RAG2 is on the minus strand). VCF-style: chr11-36592804-A-G. GRCh37 (hg19) VCF-style: chr11-36614354-A-G.
Other names: c.1365T>C (NM_000536.3); c.1365T>C, p.His455= (NM_001243785.2, NM_001243786.2).
Identifiers: ClinVar variation 1141275 (VCV001141275.10), dbSNP rs369276846, ClinGen allele CA220579027.
Genomic context (GRCh38, chr11:36,592,804, plus strand): 5'-CTTGTTGCTTCCTGCTGACAGATGGATGAGTGTGCGTTCTGCCAGATCCATGCACTGAGC[A>G]TGGACCCAGTGCCCATCCCCATGAGAGCAGTAGATCATGGCGGGTTTGTTGAGCTCAGTT-3'
Protein context (NP_000527.2, residues 445-465): YCSHGDGHWV[His455=]AQCMDLAERT

ClinVar aggregate classification (germline): Conflicting classifications of pathogenicity. Review status: criteria provided, conflicting classifications (1 of 4 stars). 2 submissions from 2 submitters: Uncertain significance (1); Likely benign (1). Last evaluated 2024-06-04.

Conditions:
Combined immunodeficiency with skin granulomas. Identifiers: Orphanet 157949, MedGen C2673536, MONDO:0009306, OMIM 233650.
Severe combined immunodeficiency, autosomal recessive, T cell-negative, B cell-negative, NK cell-positive. Also called: SCID, AR, T-cell negative, B-cell negative, NK cell-positive; SCID, T CELL-NEGATIVE, B CELL-NEGATIVE, NK CELL-POSITIVE; Severe combined immunodeficiency due to complete RAG1/2 deficiency. Identifiers: Orphanet 331206, MedGen C1832322, MONDO:0011086, OMIM 601457.

Allele frequency attached by ClinVar (database versions not stated): TOPMed below 0.00001; gnomAD exomes 0.00001 and 0.00002; ESP Exome Variant Server 0.00015.

Submissions (2):

GeneDx
Classification: Uncertain significance. Last evaluated: 2024-06-04. Review status: criteria provided, single submitter. Criteria: GeneDx Variant Classification Process June 2021. Collection method: clinical testing. Allele origin: germline. Affected: yes.
Comment: Not observed at significant frequency in large population cohorts (gnomAD); In silico analysis indicates that this variant does not alter splicing; Has not been previously published as pathogenic or benign to our knowledge

Labcorp Genetics (formerly Invitae), Labcorp
Classification: Likely benign for Combined immunodeficiency with skin granulomas; Severe combined immunodeficiency, autosomal recessive, T cell-negative, B cell-negative, NK cell-positive. Last evaluated: 2024-02-12. Review status: criteria provided, single submitter. Criteria: Invitae Variant Classification Sherloc (09022015). Collection method: clinical testing. Allele origin: germline.